The following is an entry in ClinVar:

ClinVar aggregate classification (germline): Likely pathogenic. Review status: criteria provided, multiple submitters, no conflicts (2 of 4 stars). 3 submissions from 3 submitters: Likely pathogenic (3). Last evaluated 2024-03-07.

Conditions:
Hyperornithinemia-hyperammonemia-homocitrullinuria syndrome (HHHS). Also called: HHH SYNDROME; Ornithine translocase deficiency. Identifiers: Orphanet 415, MedGen C0268540, MONDO:0009393, OMIM 238970.

Allele frequency attached by ClinVar (database versions not stated): gnomAD exomes below 0.00001.
gnomAD v4.1: 1 of 1,614,124 alleles (0.000062%); highest among the groups gnomAD compares: Non-Finnish European, 0.000085%; no homozygotes.

Submissions (3):

Baylor Genetics
Classification: Likely pathogenic for Hyperornithinemia-hyperammonemia-homocitrullinuria syndrome. Last evaluated: 2024-03-07. Review status: criteria provided, single submitter. Criteria: ACMG Guidelines, 2015. Collection method: clinical testing. Allele origin: unknown.

Fulgent Genetics
Classification: Likely pathogenic for Hyperornithinemia-hyperammonemia-homocitrullinuria syndrome. Last evaluated: 2024-02-16. Review status: criteria provided, single submitter. Criteria: ACMG Guidelines, 2015. Collection method: clinical testing. Allele origin: germline.

Labcorp Genetics (formerly Invitae), Labcorp
Classification: Likely pathogenic for Hyperornithinemia-hyperammonemia-homocitrullinuria syndrome. Last evaluated: 2020-11-21. Review status: criteria provided, single submitter. Criteria: Invitae Variant Classification Sherloc (09022015). Collection method: clinical testing. Allele origin: germline.
Comment: Algorithms developed to predict the effect of sequence changes on RNA splicing suggest that this variant may disrupt the consensus splice site, but this prediction has not been confirmed by published transcriptional studies. This variant is not present in population databases (ExAC no frequency). This variant has not been reported in the literature in individuals with SLC25A15-related conditions. Donor and acceptor splice site variants typically lead to a loss of protein function (PMID: 16199547), and loss-of-function variants in SLC25A15 are known to be pathogenic (PMID: 11552031, 19242930). In summary, the currently available evidence indicates that the variant is pathogenic, but additional data are needed to prove that conclusively. Therefore, this variant has been classified as Likely Pathogenic. This sequence change affects a donor splice site in intron 4 of the SLC25A15 gene. It is expected to disrupt RNA splicing and likely results in an absent or disrupted protein product.

Literature cited by the submitters: PubMed 16199547 (cited by Labcorp Genetics (formerly Invitae), Labcorp); PubMed 11552031 (cited by Labcorp Genetics (formerly Invitae), Labcorp); PubMed 19242930 (cited by Labcorp Genetics (formerly Invitae), Labcorp).

NM_014252.4(SLC25A15):c.452+2T>C

Gene: SLC25A15 (solute carrier family 25 member 15; plus strand). Cytogenetic location: 13q14.11.
Variant type: single nucleotide variant.
Coding change: c.452+2T>C on transcript NM_014252.4 (MANE Select); the canonical splice donor site of the intron after coding-DNA position 452, T replaced by C.
Molecular consequence: splice donor variant.
Genome position (GRCh38, 1-based): chr13:40,805,257, T>C. VCF-style: chr13-40805257-T-C. GRCh37 (hg19) VCF-style: chr13-41379393-T-C.
Identifiers: ClinVar variation 863850 (VCV000863850.10), dbSNP rs1882127556, ClinGen allele CA387917988.
Genomic context (GRCh38, chr13:40,805,257, plus strand): 5'-TGCCGGCTGCAGACCATGTATGAGATGGAGACATCAGGGAAGATAGCCAAGAGCCAGAAG[T>C]AAGCACCACTTGGGCACAAACGTCAGGTCTCTATTGCCCTAGTGTATTGGATGATTTTTC-3'